The following is an entry in ClinVar:

ClinVar aggregate classification (germline): Uncertain significance (1 of 4 stars; one submission).

Conditions:
Myofibrillar myopathy 4. Also called: Zaspopathy (type). Identifiers: Orphanet 98912, MedGen C4721886, MONDO:0012277, OMIM 609452.

gnomAD v4.1: 34 of 1,614,202 alleles (0.0021%); highest among the groups gnomAD compares: Non-Finnish European, 0.0026%; no homozygotes.

Submission:

Labcorp Genetics (formerly Invitae), Labcorp
Classification: Uncertain significance for Myofibrillar myopathy 4. Last evaluated: 2025-08-18. Review status: criteria provided, single submitter. Criteria: Invitae Variant Classification Sherloc (09022015). Collection method: clinical testing. Allele origin: germline.
Comment: This sequence change replaces proline, which is neutral and non-polar, with threonine, which is neutral and polar, at codon 113 of the LDB3 protein (p.Pro113Thr). This variant is not present in population databases (gnomAD no frequency). This variant has not been reported in the literature in individuals affected with LDB3-related conditions. An algorithm developed to predict the effect of missense changes on protein structure and function (PolyPhen-2) suggests that this variant is likely to be tolerated. In summary, the available evidence is currently insufficient to determine the role of this variant in disease. Therefore, it has been classified as a Variant of Uncertain Significance.

NM_001368067.1(LDB3):c.337C>A (p.Pro113Thr)

Genes: LDB3 (LIM domain binding 3; plus strand), LOC110121486 (VISTA enhancer hs2143; plus strand). Cytogenetic location: 10q23.2.
Variant type: single nucleotide variant.
Coding change: c.337C>A on transcript NM_001368067.1 (MANE Plus Clinical); coding-DNA position 337, C replaced by A.
Protein change: p.Pro113Thr; replaces proline 113 with threonine.
Molecular consequence: missense variant. On other transcripts: intron variant (7).
Genome position (GRCh38, 1-based): chr10:86,685,693, C>A. VCF-style: chr10-86685693-C-A. GRCh37 (hg19) VCF-style: chr10-88445450-C-A.
Other names: c.337C>A, p.Pro113Thr (NM_001080114.2, NM_001080116.1, NM_001368066.1 and 1 more transcripts); c.689+3890C>A (NM_001368064.1, NM_001368063.1, NM_007078.3 and 2 more transcripts); c.690-1376C>A (NM_001171610.2, NM_001171611.2); short protein forms P113T.
Identifiers: ClinVar variation 4739966 (VCV004739966.1).